The following is an entry in ClinVar:

NM_001042492.3(NF1):c.4814T>A (p.Ile1605Asn)

Gene: NF1 (neurofibromin 1; plus strand). Cytogenetic location: 17q11.2.
Variant type: single nucleotide variant.
Coding change: c.4814T>A on transcript NM_001042492.3 (MANE Select); coding-DNA position 4814, T replaced by A.
Protein change: p.Ile1605Asn; replaces isoleucine 1605 with asparagine.
Molecular consequence: missense variant.
Genome position (GRCh38, 1-based): chr17:31,265,318, T>A. VCF-style: chr17-31265318-T-A. GRCh37 (hg19) VCF-style: chr17-29592336-T-A.
Other names: c.4751T>A, p.Ile1584Asn (NM_000267.4); short protein forms I1584N, I1605N.
Identifiers: ClinVar variation 2629735 (VCV002629735.1), dbSNP rs2508445677, ClinGen allele CA399001346.

ClinVar aggregate classification (germline): Uncertain significance (1 of 4 stars; one submission).

Conditions:
NF1-related disorder. Also called: NF1-related condition. Identifiers: MedGen CN379171.

Submission:

PreventionGenetics, part of Exact Sciences
Classification: Uncertain significance for NF1-related condition. Last evaluated: 2022-12-14. Review status: criteria provided, single submitter. Criteria: ACMG Guidelines, 2015. Collection method: clinical testing. Allele origin: germline.
Comment: The NF1 c.4814T>A variant is predicted to result in the amino acid substitution p.Ile1605Asn. To our knowledge, this variant has not been reported in the literature or in a large population database, indicating this variant is rare. A different missense variant affecting this amino acid (p.Ile1605Asn) has been reported in an individual with neurofibromatosis type 1 (reported as I1584V in Fahsold et al. 2000. PubMed ID: 10712197) At this time, the clinical significance of this variant is uncertain due to the absence of conclusive functional and genetic evidence.